The following is an entry in ClinVar:

ClinVar aggregate classification (germline): Likely benign (0 of 4 stars; one submission).

Conditions:
CFTR-related disorder (CFTR-RD). Also called: CFTR-related condition; CFTR-related disorders. Identifiers: MedGen C5924204, MONDO:7770004.

Allele frequency attached by ClinVar (database versions not stated): 1000 Genomes Project 30x 0.00047; gnomAD 0.00217; TOPMed 0.00235; 1000 Genomes Project 0.00060.
gnomAD v4.1: 328 of 152,050 alleles (0.22%); highest among the groups gnomAD compares: Non-Finnish European, 0.39%; 3 homozygotes.

Submission:

PreventionGenetics, part of Exact Sciences
Classification: Likely benign for CFTR-related condition. Last evaluated: 2021-04-22. Review status: no assertion criteria provided. Collection method: clinical testing. Allele origin: germline.
Comment: This variant is classified as likely benign based on ACMG/AMP sequence variant interpretation guidelines (Richards et al. 2015 PMID: 25741868, with internal and published modifications).

NM_000492.4(CFTR):c.1585-9465A>C

Gene: CFTR (CF transmembrane conductance regulator; plus strand). Cytogenetic location: 7q31.2.
Variant type: single nucleotide variant.
Coding change: c.1585-9465A>C on transcript NM_000492.4 (MANE Select); 9465 bases into the intron before coding-DNA position 1585, A replaced by C.
Molecular consequence: intron variant.
Genome position (GRCh38, 1-based): chr7:117,578,274, A>C. VCF-style: chr7-117578274-A-C. GRCh37 (hg19) VCF-style: chr7-117218328-A-C.
Identifiers: ClinVar variation 3059925 (VCV003059925.2), dbSNP rs142721557, ClinGen allele CA164942019.